The following is an entry in ClinVar:

NM_022455.5(NSD1):c.857C>T (p.Thr286Ile)

Gene: NSD1 (nuclear receptor binding SET domain protein 1; plus strand). Cytogenetic location: 5q35.3.
Variant type: single nucleotide variant.
Coding change: c.857C>T on transcript NM_022455.5 (MANE Select); coding-DNA position 857, C replaced by T.
Protein change: p.Thr286Ile; replaces threonine 286 with isoleucine.
Molecular consequence: missense variant. On other transcripts: 5 prime UTR variant (7).
Genome position (GRCh38, 1-based): chr5:177,135,960, C>T. VCF-style: chr5-177135960-C-T. GRCh37 (hg19) VCF-style: chr5-176562961-C-T.
Other names: c.-17C>T (NM_001365684.2, NM_001409305.1, NM_001409306.1 and 4 more transcripts); c.857C>T, p.Thr286Ile (NM_001409301.1, NM_001409302.1, NM_001409303.1); c.437C>T, p.Thr146Ile (NM_001409304.1); short protein forms T146I, T286I.
Identifiers: ClinVar variation 3373758 (VCV003373758.1).

ClinVar aggregate classification (germline): Uncertain significance (1 of 4 stars; one submission).

gnomAD v4.1: 2 of 1,613,964 alleles (0.00012%); highest among the groups gnomAD compares: Non-Finnish European, 0.000085%; no homozygotes.

Submission:

GeneDx
Classification: Uncertain significance. Last evaluated: 2024-03-07. Review status: criteria provided, single submitter. Criteria: GeneDx Variant Classification Process June 2021. Collection method: clinical testing. Allele origin: germline. Affected: yes.
Comment: Not observed at significant frequency in large population cohorts (gnomAD); In silico analysis supports that this missense variant has a deleterious effect on protein structure/function; Has not been previously published as pathogenic or benign to our knowledge